The following is an entry in ClinVar:

ClinVar aggregate classification (germline): Conflicting classifications of pathogenicity. Review status: criteria provided, conflicting classifications (1 of 4 stars). 6 submissions from 6 submitters: Uncertain significance (4); Likely benign (1). 1 of the submissions does not count toward it. Last evaluated 2024-10-29.

Conditions:
Colorectal cancer. Also called: Colorectal cancer, somatic; Malignant Colorectal Neoplasm. Identifiers: MedGen C0346629, MONDO:0005575, OMIM 114500.
Hereditary cancer-predisposing syndrome. Also called: Hereditary neoplastic syndrome; Tumor predisposition; Neoplastic Syndromes, Hereditary; Hereditary Cancer Syndrome. Identifiers: Orphanet 140162, MedGen C0027672, MeSH D009386, MONDO:0015356.

Allele frequency attached by ClinVar (database versions not stated): gnomAD exomes 0.00001; ExAC 0.00002; gnomAD 0.00003; TOPMed 0.00005; ESP Exome Variant Server 0.00008.
gnomAD v4.1: 38 of 1,613,662 alleles (0.0024%); highest among the groups gnomAD compares: African/African-American, 0.0053%; no homozygotes.

Submissions (6):

Labcorp Genetics (formerly Invitae), Labcorp
Classification: Uncertain significance. Last evaluated: 2024-10-29. Review status: criteria provided, single submitter. Criteria: Invitae Variant Classification Sherloc (09022015). Collection method: clinical testing. Allele origin: germline.
Comment: This sequence change replaces arginine, which is basic and polar, with glutamine, which is neutral and polar, at codon 214 of the XRCC2 protein (p.Arg214Gln). This variant is present in population databases (rs368445278, gnomAD 0.004%). This variant has not been reported in the literature in individuals affected with XRCC2-related conditions. ClinVar contains an entry for this variant (Variation ID: 127961). An algorithm developed to predict the effect of missense changes on protein structure and function outputs the following: PolyPhen-2: "Benign". The glutamine amino acid residue is found in multiple mammalian species, which suggests that this missense change does not adversely affect protein function. In summary, the available evidence is currently insufficient to determine the role of this variant in disease. Therefore, it has been classified as a Variant of Uncertain Significance.

Quest Diagnostics Nichols Institute San Juan Capistrano
Classification: Uncertain significance. Last evaluated: 2024-04-19. Review status: criteria provided, single submitter. Criteria: Quest Diagnostics criteria. Collection method: clinical testing. Allele origin: unknown.
Comment: The XRCC2 c.641G>A (p.Arg214Gln) variant has been reported in the published literature in a case-control study of individuals with hereditary cancer (PMID: 32235514 (2020)). The frequency of this variant in the general population, 0.000014 (4/282768 chromosomes (Genome Aggregation Database)), is uninformative in the assessment of its pathogenicity. Analysis of this variant using bioinformatics tools for the prediction of the effect of amino acid changes on protein structure and function yielded predictions that this variant is benign. Based on the available information, we are unable to determine the clinical significance of this variant.

Ambry Genetics
Classification: Likely benign for Hereditary cancer-predisposing syndrome. Last evaluated: 2024-03-29. Review status: criteria provided, single submitter. Criteria: Ambry Variant Classification Scheme 2023. Collection method: clinical testing. Allele origin: germline.

Blueprint Genetics
Classification: Uncertain significance. Last evaluated: 2020-10-08. Review status: criteria provided, single submitter. Criteria: ACMG Guidelines, 2015. Collection method: clinical testing. Allele origin: germline.

GeneDx
Classification: Uncertain significance. Last evaluated: 2017-07-28. Review status: criteria provided, single submitter. Criteria: GeneDx Variant Classification (06012015). Collection method: clinical testing. Allele origin: germline. Affected: yes.
Comment: This variant is denoted XRCC2 c.641G>A at the cDNA level, p.Arg214Gln (R214Q) at the protein level, and results in the change of an Arginine to a Glutamine (CGA>CAA). This variant has not, to our knowledge, been published in the literature as pathogenic or benign. XRCC2 Arg214Gln was not observed at a significant allele frequency in large population cohorts (NHLBI Exome Sequencing Project, The 1000 Genomes Consortium 2015, Lek 2016). Since Arginine and Glutamine differ in some properties, this is considered a semi-conservative amino acid substitution. XRCC2 Arg214Gln occurs at a position that is not conserved and is not located in a known functional domain. In silico analyses predict that this variant is unlikely to alter protein structure or function. Based on currently available information, it is unclear whether XRCC2 Arg214Gln is pathogenic or benign. We consider it to be a variant of uncertain significance.

CSER _CC_NCGL, University of Washington
Classification: Uncertain significance for Colorectal cancer. Last evaluated: 2016-08-01. Review status: no assertion criteria provided. Collection method: research. Allele origin: germline. Inheritance: Autosomal dominant inheritance. Study: CSER - NEXT Medicine variant annotation. Not counted in ClinVar's aggregate classification.
Comment: This gene does not have an established association with colon cancer risk.

Literature cited by the submitters: PubMed 32235514 (cited by Quest Diagnostics Nichols Institute San Juan Capistrano and Ambry Genetics).

NM_005431.2(XRCC2):c.641G>A (p.Arg214Gln)

Gene: XRCC2 (X-ray repair cross complementing 2; minus strand). Cytogenetic location: 7q36.1.
Variant type: single nucleotide variant.
Coding change: c.641G>A on transcript NM_005431.2 (MANE Select); coding-DNA position 641, G replaced by A.
Protein change: p.Arg214Gln; replaces arginine 214 with glutamine.
Molecular consequence: missense variant.
Genome position (GRCh38, 1-based): chr7:152,648,844, C>T on the plus strand (G>A on the coding strand, the complement: XRCC2 is on the minus strand). VCF-style: chr7-152648844-C-T. GRCh37 (hg19) VCF-style: chr7-152345929-C-T.
Other names: p.R214Q:CGA>CAA; short protein forms R214Q.
Identifiers: ClinVar variation 127961 (VCV000127961.19), dbSNP rs368445278, ClinGen allele CA288143.
Genomic context (GRCh38, chr7:152,648,844, plus strand): 5'-AGTTGCTGCCATGCCTTACAGAGATAAGGTCTGTAGTCTATGTCCACATCACACAGTCGT[C>T]GAGAGGCATGAGAAGGTTCTTCTGATGAGCTCGAGGCTTTCTGCATTATAGTTTGTGTCG-3'
Protein context (NP_005422.1, residues 204-224): SSSEEPSHAS[Arg214Gln]RLCDVDIDYR